The following is an entry in ClinVar:

NM_001079668.3(NKX2-1):c.79C>T (p.Arg27Cys)

Genes: NKX2-1 (NK2 homeobox 1; minus strand), NKX2-1-AS1 (NKX2-1 antisense RNA 1; plus strand), SFTA3 (surfactant associated 3; minus strand). Cytogenetic location: 14q13.3.
Variant type: single nucleotide variant.
Coding change: c.79C>T on transcript NM_001079668.3 (MANE Select); coding-DNA position 79, C replaced by T.
Protein change: p.Arg27Cys; replaces arginine 27 with cysteine.
Molecular consequence: missense variant. On other transcripts: non-coding transcript variant (1), 5 prime UTR variant (1).
Genome position (GRCh38, 1-based): chr14:36,519,369, G>A on the plus strand (C>T on the coding strand, the complement: NKX2-1 is on the minus strand). VCF-style: chr14-36519369-G-A. GRCh37 (hg19) VCF-style: chr14-36988574-G-A.
Other names: c.-12C>T (NM_003317.4); short protein forms R27C.
Identifiers: ClinVar variation 4883005 (VCV004883005.2).

ClinVar aggregate classification (germline): Uncertain significance (1 of 4 stars; one submission).

Conditions:
NKX2-1 related choreoathetosis and congenital hypothyroidism with or without pulmonary dysfunction. Identifiers: MedGen CN372319, MONDO:0100520.

Submission:

Dasa
Classification: Uncertain significance for NKX2-1 related choreoathetosis and congenital hypothyroidism with or without pulmonary dysfunction. Last evaluated: 2025-08-02. Review status: criteria provided, single submitter. Criteria: DASA Assertion Criteria. Collection method: clinical testing. Allele origin: germline.
Comment: NM_001079668.3(NKX2-1):c.79C>T (p.Arg27Cys) is a missense variant that results in the substitution of arginine with cysteine. This variant is absent from population databases. The currently available literature and clinical evidence are not sufficient to establish a definitive association between this variant and the reported condition. Therefore, this variant is classified as a variant of uncertain significance.